The following is an entry in ClinVar:

NM_018896.5(CACNA1G):c.242+19C>G

Genes: CACNA1G (calcium voltage-gated channel subunit alpha1 G; plus strand), CACNA1G-AS1 (CACNA1G antisense RNA 1; minus strand). Cytogenetic location: 17q21.33.
Variant type: single nucleotide variant.
Coding change: c.242+19C>G on transcript NM_018896.5 (MANE Select); 19 bases into the intron after coding-DNA position 242, C replaced by G.
Molecular consequence: intron variant.
Genome position (GRCh38, 1-based): chr17:50,561,720, C>G. VCF-style: chr17-50561720-C-G. GRCh37 (hg19) VCF-style: chr17-48639081-C-G.
Other names: c.242+19C>G (NM_001256325.2, NM_198377.3, NM_198380.3 and 24 more transcripts).
Identifiers: ClinVar variation 3010711 (VCV003010711.3), dbSNP rs767347680, ClinGen allele CA8651890.

ClinVar aggregate classification (germline): Uncertain significance (1 of 4 stars; one submission).

Allele frequency attached by ClinVar (database versions not stated): ExAC 0.00001.
gnomAD v4.1: 3 of 1,536,488 alleles (0.0002%); highest among the groups gnomAD compares: African/African-American, 0.0042%; no homozygotes.

Submission:

Labcorp Genetics (formerly Invitae), Labcorp
Classification: Uncertain significance. Last evaluated: 2023-01-02. Review status: criteria provided, single submitter. Criteria: Invitae Variant Classification Sherloc (09022015). Collection method: clinical testing. Allele origin: germline.
Comment: In summary, the available evidence is currently insufficient to determine the role of this variant in disease. Therefore, it has been classified as a Variant of Uncertain Significance. Algorithms developed to predict the effect of sequence changes on RNA splicing suggest that this variant may create or strengthen a splice site. This variant has not been reported in the literature in individuals affected with CACNA1G-related conditions. This variant is not present in population databases (gnomAD no frequency). This sequence change falls in intron 1 of the CACNA1G gene. It does not directly change the encoded amino acid sequence of the CACNA1G protein.